The following is an entry in ClinVar:

NM_032043.3(BRIP1):c.66C>G (p.Tyr22Ter)

Gene: BRIP1 (BRCA1 interacting DNA helicase 1; minus strand). Cytogenetic location: 17q23.2.
Variant type: single nucleotide variant.
Coding change: c.66C>G on transcript NM_032043.3 (MANE Select); coding-DNA position 66, C replaced by G.
Protein change: p.Tyr22Ter; replaces tyrosine 22 with a stop codon.
Molecular consequence: nonsense.
Genome position (GRCh38, 1-based): chr17:61,861,474, G>C on the plus strand (C>G on the coding strand, the complement: BRIP1 is on the minus strand). VCF-style: chr17-61861474-G-C. GRCh37 (hg19) VCF-style: chr17-59938835-G-C.
Other names: short protein forms Y22*.
Identifiers: ClinVar variation 826561 (VCV000826561.7), dbSNP rs1603368431, ClinGen allele CA400485955.

ClinVar aggregate classification (germline): Pathogenic. Review status: criteria provided, multiple submitters, no conflicts (2 of 4 stars). 3 submissions from 3 submitters: Pathogenic (3). Last evaluated 2025-12-27.

Conditions:
Familial cancer of breast. Also called: hereditary breast carcinoma; BREAST CANCER, FAMILIAL; Hereditary breast cancer. Identifiers: Orphanet 227535, MedGen C0346153, MONDO:0016419, OMIM 114480. Disease mechanism: loss of function.
Hereditary cancer-predisposing syndrome. Also called: Neoplastic Syndromes, Hereditary; Hereditary Cancer Syndrome; Hereditary neoplastic syndrome; Tumor predisposition. Identifiers: Orphanet 140162, MedGen C0027672, MeSH D009386, MONDO:0015356.
Fanconi anemia complementation group J. Also called: BRIP1-Related Fanconi Anemia. Identifiers: Orphanet 84, MedGen C1836860, MONDO:0012187, OMIM 609054.

Submissions (3):

Labcorp Genetics (formerly Invitae), Labcorp
Classification: Pathogenic for Familial cancer of breast; Fanconi anemia complementation group J. Last evaluated: 2025-12-27. Review status: criteria provided, single submitter. Criteria: Invitae Variant Classification Sherloc (09022015). Collection method: clinical testing. Allele origin: germline.
Comment: This sequence change creates a premature translational stop signal (p.Tyr22*) in the BRIP1 gene. It is expected to result in an absent or disrupted protein product. Loss-of-function variants in BRIP1 are known to be pathogenic (PMID: 16116423, 17033622, 21964575). This variant is not present in population databases (gnomAD no frequency). This premature translational stop signal has been observed in individual(s) with breast cancer (PMID: 26315354). ClinVar contains an entry for this variant (Variation ID: 826561). Algorithms developed to predict the effect of sequence changes on RNA splicing suggest that this variant may disrupt the consensus splice site. For these reasons, this variant has been classified as Pathogenic.

Ambry Genetics
Classification: Pathogenic for Hereditary cancer-predisposing syndrome. Last evaluated: 2023-09-12. Review status: criteria provided, single submitter. Criteria: Ambry Variant Classification Scheme 2023. Collection method: clinical testing. Allele origin: germline.
Comment: The p.Y22* pathogenic mutation (also known as c.66C>G), located in coding exon 1 of the BRIP1 gene, results from a C to G substitution at nucleotide position 66. This changes the amino acid from a tyrosine to a stop codon within coding exon 1. This variant is considered to be rare based on population cohorts in the Genome Aggregation Database (gnomAD). This alteration is expected to result in loss of function by premature protein truncation or nonsense-mediated mRNA decay. As such, this alteration is interpreted as a disease-causing mutation.

Myriad Genetics, Inc.
Classification: Pathogenic for Familial cancer of breast. Last evaluated: 2023-05-30. Review status: criteria provided, single submitter. Criteria: Myriad Autosomal Dominant, Autosomal Recessive and X-Linked Classification Criteria (2023). Collection method: clinical testing. Allele origin: unknown.
Comment: This variant is considered pathogenic. This variant creates a termination codon and is predicted to result in premature protein truncation.

Literature cited by the submitters: PubMed 16116423 (cited by Labcorp Genetics (formerly Invitae), Labcorp); PubMed 17033622 (cited by Labcorp Genetics (formerly Invitae), Labcorp); PubMed 21964575 (cited by Labcorp Genetics (formerly Invitae), Labcorp); PubMed 26315354 (cited by Labcorp Genetics (formerly Invitae), Labcorp).